The following is an entry in ClinVar:

NM_003995.4(NPR2):c.1589C>A (p.Ala530Asp)

Gene: NPR2 (natriuretic peptide receptor 2; plus strand). Cytogenetic location: 9p13.3.
Variant type: single nucleotide variant.
Coding change: c.1589C>A on transcript NM_003995.4 (MANE Select); coding-DNA position 1589, C replaced by A.
Protein change: p.Ala530Asp; replaces alanine 530 with aspartic acid.
Molecular consequence: missense variant.
Genome position (GRCh38, 1-based): chr9:35,801,957, C>A. VCF-style: chr9-35801957-C-A. GRCh37 (hg19) VCF-style: chr9-35801954-C-A.
Other names: c.1598C>A, p.Ala533Asp (NM_001378923.1); short protein forms A530D, A533D.
Identifiers: ClinVar variation 1035981 (VCV001035981.12), dbSNP rs1828184008, ClinGen allele CA373373319.

ClinVar aggregate classification (germline): Uncertain significance (1 of 4 stars; one submission).

Conditions:
Acromesomelic dysplasia 1, Maroteaux type (AMD1). Also called: ACROMESOMELIC DYSPLASIA 1; ST. HELENA DYSPLASIA. Identifiers: Orphanet 40, MedGen C1864356, MONDO:0011275, OMIM 602875.
Tall stature-scoliosis-macrodactyly of the great toes syndrome. Also called: Epiphyseal chondrodysplasia, miura type. Identifiers: Orphanet 329191, MedGen C4014690, MONDO:0014401, OMIM 615923.

Allele frequency attached by ClinVar (database versions not stated): gnomAD exomes below 0.00001.
gnomAD v4.1: 1 of 1,614,122 alleles (0.000062%); highest among the groups gnomAD compares: East Asian, 0.0022%; no homozygotes.

Submission:

Labcorp Genetics (formerly Invitae), Labcorp
Classification: Uncertain significance for Tall stature-scoliosis-macrodactyly of the great toes syndrome; Acromesomelic dysplasia 1, Maroteaux type. Last evaluated: 2025-02-03. Review status: criteria provided, single submitter. Criteria: Invitae Variant Classification Sherloc (09022015). Collection method: clinical testing. Allele origin: germline.
Comment: This sequence change replaces alanine, which is neutral and non-polar, with aspartic acid, which is acidic and polar, at codon 530 of the NPR2 protein (p.Ala530Asp). This variant is not present in population databases (gnomAD no frequency). This variant has not been reported in the literature in individuals affected with NPR2-related conditions. ClinVar contains an entry for this variant (Variation ID: 1035981). Invitae Evidence Modeling of protein sequence and biophysical properties (such as structural, functional, and spatial information, amino acid conservation, physicochemical variation, residue mobility, and thermodynamic stability) indicates that this missense variant is not expected to disrupt NPR2 protein function with a negative predictive value of 80%. In summary, the available evidence is currently insufficient to determine the role of this variant in disease. Therefore, it has been classified as a Variant of Uncertain Significance.